The following is an entry in ClinVar:

ClinVar aggregate classification (germline): Uncertain significance. Review status: criteria provided, multiple submitters, no conflicts (2 of 4 stars). 3 submissions from 3 submitters: Uncertain significance (3). Last evaluated 2024-12-16.

Conditions:
Hereditary pheochromocytoma and paraganglioma. Also called: Hereditary Paraganglioma-Pheochromocytoma Syndromes; Hereditary paragangliomas and pheochromocytomas; Hereditary pheochromocytoma-paraganglioma. Identifiers: Orphanet 29072, MedGen C4274332, MONDO:0017366.
Pheochromocytoma. Also called: MAX-Related Hereditary Paraganglioma-Pheochromocytoma Syndrome. Identifiers: Orphanet 29072, MedGen C0031511, MONDO:0008233, OMIM 171300, HP:0002666.
Hereditary cancer-predisposing syndrome. Also called: Tumor predisposition; Hereditary Cancer Syndrome; Neoplastic Syndromes, Hereditary; Hereditary neoplastic syndrome. Identifiers: Orphanet 140162, MedGen C0027672, MeSH D009386, MONDO:0015356.

Submissions (3):

Labcorp Genetics (formerly Invitae), Labcorp
Classification: Uncertain significance for Hereditary pheochromocytoma and paraganglioma. Last evaluated: 2024-12-16. Review status: criteria provided, single submitter. Criteria: Invitae Variant Classification Sherloc (09022015). Collection method: clinical testing. Allele origin: germline.
Comment: This sequence change replaces glutamine, which is neutral and polar, with glutamic acid, which is acidic and polar, at codon 158 of the TMEM127 protein (p.Gln158Glu). This variant is not present in population databases (gnomAD no frequency). This variant has not been reported in the literature in individuals affected with TMEM127-related conditions. ClinVar contains an entry for this variant (Variation ID: 337503). An algorithm developed to predict the effect of missense changes on protein structure and function (PolyPhen-2) suggests that this variant is likely to be disruptive. In summary, the available evidence is currently insufficient to determine the role of this variant in disease. Therefore, it has been classified as a Variant of Uncertain Significance.

Ambry Genetics
Classification: Uncertain significance for Hereditary cancer-predisposing syndrome. Last evaluated: 2022-05-07. Review status: criteria provided, single submitter. Criteria: Ambry Variant Classification Scheme 2023. Collection method: clinical testing. Allele origin: germline.
Comment: The p.Q158E variant (also known as c.472C>G), located in coding exon 3 of the TMEM127 gene, results from a C to G substitution at nucleotide position 472. The glutamine at codon 158 is replaced by glutamic acid, an amino acid with highly similar properties. This amino acid position is conserved. In addition, this alteration is predicted to be deleterious by in silico analysis. Since supporting evidence is limited at this time, the clinical significance of this alteration remains unclear.

Illumina Laboratory Services, Illumina
Classification: Uncertain significance for Pheochromocytoma. Last evaluated: 2018-01-13. Review status: criteria provided, single submitter. Criteria: ICSL Variant Classification Criteria 13 December 2019. Collection method: clinical testing. Allele origin: germline.

NM_017849.4(TMEM127):c.472C>G (p.Gln158Glu)

Gene: TMEM127 (transmembrane protein 127; minus strand). Cytogenetic location: 2q11.2.
Variant type: single nucleotide variant.
Coding change: c.472C>G on transcript NM_017849.4 (MANE Select); coding-DNA position 472, C replaced by G.
Protein change: p.Gln158Glu; replaces glutamine 158 with glutamic acid.
Molecular consequence: missense variant.
Genome position (GRCh38, 1-based): chr2:96,254,053, G>C on the plus strand (C>G on the coding strand, the complement: TMEM127 is on the minus strand). VCF-style: chr2-96254053-G-C. GRCh37 (hg19) VCF-style: chr2-96919791-G-C.
Other names: c.472C>G, p.Gln158Glu (NM_001193304.3); short protein forms Q158E.
Identifiers: ClinVar variation 337503 (VCV000337503.15), dbSNP rs769988721, ClinGen allele CA10614652.